The following is an entry in ClinVar:

ClinVar aggregate classification (germline): Pathogenic. Review status: criteria provided, multiple submitters, no conflicts (2 of 4 stars). 7 submissions from 7 submitters: Pathogenic (5). 2 of the submissions do not count toward it. Last evaluated 2025-10-10.

Conditions:
BMPR2-related disorder. Also called: BMPR2-related disorders; BMPR2-related condition.
Primary pulmonary hypertension. Also called: Idiopathic pulmonary hypertension. Identifiers: MedGen C0152171.
Pulmonary arterial hypertension. Identifiers: Orphanet 182090, MedGen C2973725, MeSH D000081029, MONDO:0015924, HP:0002092.
Pulmonary venoocclusive disease 1 (PVOD1). Also called: Pulmonary venoocclusive disease 1, autosomal dominant. Identifiers: Orphanet 31837, MedGen C3887658, MONDO:0020713, OMIM 265450.
Pulmonary hypertension, primary, 1 (PPH1). Also called: Pulmonary hypertension, familial primary, 1, with or without HHT. Identifiers: Orphanet 422, MedGen C4552070, MONDO:0024533, OMIM 178600.

Allele frequency attached by ClinVar (database versions not stated): gnomAD exomes below 0.00001.
gnomAD v4.1: 1 of 1,608,098 alleles (0.000062%); highest among the groups gnomAD compares: Non-Finnish European, 0.000085%; no homozygotes.

Submissions (7):

Labcorp Genetics (formerly Invitae), Labcorp
Classification: Pathogenic for Primary pulmonary hypertension. Last evaluated: 2025-10-10. Review status: criteria provided, single submitter. Criteria: Invitae Variant Classification Sherloc (09022015). Collection method: clinical testing. Allele origin: germline.
Comment: This sequence change creates a premature translational stop signal (p.Arg321*) in the BMPR2 gene. It is expected to result in an absent or disrupted protein product. Loss-of-function variants in BMPR2 are known to be pathogenic (PMID: 16429395). This variant is not present in population databases (gnomAD no frequency). This premature translational stop signal has been observed in individual(s) with pulmonary hypertension (PMID: 15591269, 16429395, 21801371). Invitae Evidence Modeling of clinical and family history, age, sex, and reported ancestry of multiple individuals with this BMPR2 variant has been performed. This variant is expected to be pathogenic with a positive predictive value of at least 99%. This is a validated machine learning model that incorporates the clinical features of 21,746 individuals referred to our laboratory for BMPR2 testing. ClinVar contains an entry for this variant (Variation ID: 409826). For these reasons, this variant has been classified as Pathogenic.

Pharmacogenomics Laboratory, Instituto de Medicina Experimental, CONICET-Academia Nacional de Medicina
Classification: Pathogenic for Pulmonary hypertension, primary, 1. Last evaluated: 2025-04-15. Review status: criteria provided, single submitter. Criteria: ClinGen PH ACMG Specifications BMPR2 V1.1.0. Collection method: clinical testing. Allele origin: germline. Affected: yes. Observed: 1 heterozygote.
Comment: This nonsense variant introduces a premature stop codon at position 321, which is predicted to trigger nonsense-mediated mRNA decay (NMD), consistent with a loss-of-function mechanism (PVS1). Functional in vitro studies have demonstrated reduced BMPR2 protein levels associated with this variant (PMID: 23590310), supporting its deleterious effect (PS3_Strong). It is reported at an extremely low frequency in the general population (6.02e-7 in gnomAD v4.1.0) and is absent from control datasets (gnomAD v3.1.2 controls), fulfilling the PM2_Supporting criterion. In summary, the c.961C>T variant meets the criteria to be classified as pathogenic.

Fulgent Genetics
Classification: Pathogenic for Pulmonary hypertension, primary, 1; Pulmonary venoocclusive disease 1. Last evaluated: 2024-03-19. Review status: criteria provided, single submitter. Criteria: ACMG Guidelines, 2015. Collection method: clinical testing. Allele origin: germline.

Blueprint Genetics
Classification: Pathogenic for BMPR2-related disorders. Last evaluated: 2024-03-08. Review status: criteria provided, single submitter. Criteria: ACMG Guidelines, 2015. Collection method: clinical testing. Allele origin: germline. Affected: yes. Observed: 3 variant alleles.

ARUP Laboratories, Molecular Genetics and Genomics, ARUP Laboratories
Classification: Pathogenic. Last evaluated: 2019-09-04. Review status: criteria provided, single submitter. Criteria: ARUP Molecular Germline Variant Investigation Process. Collection method: clinical testing. Allele origin: germline.
Comment: The BMPR2 c.961C>T; p.Arg321Ter variant (rs1060502581) is reported in the literature in multiple individuals and families affected with pulmonary arterial hypertension (Girerd 2010, Koehler 2004, Machado 2006, Pfarr 2011, Rosenzweig 2008, Sztrymf 2008, Wang 2016). This variant is reported as pathogenic in ClinVar (Variation ID: 409826), and is absent from general population databases (Exome Variant Server, Genome Aggregation Database), indicating it is not a common polymorphism. This variant induces an early termination codon and is predicted to result in a truncated protein or mRNA subject to nonsense-mediated decay. This prediction is supported by in vitro functional analyses, which show reduced transcript and protein levels (Drake 2011, Dunmore 2013). Based on available information, this variant is considered to be pathogenic. References: Drake KM et al. Altered MicroRNA processing in heritable pulmonary arterial hypertension: an important role for Smad-8. Am J Respir Crit Care Med. 2011 Dec 15;184(12):1400-8. Dunmore BJ et al. The lysosomal inhibitor, chloroquine, increases cell surface BMPR-II levels and restores BMP9 signalling in endothelial cells harbouring BMPR-II mutations. Hum Mol Genet. 2013 Sep 15;22(18):3667-79. Girerd B et al. Absence of influence of gender and BMPR2 mutation type on clinical phenotypes of pulmonary arterial hypertension. Respir Res. 2010 Jun 10;11:73. Koehler R et al. Low frequency of BMPR2 mutations in a German cohort of patients with sporadic idiopathic pulmonary arterial hypertension. J Med Genet. 2004 Dec;41(12):e127. Machado RD et al. Mutations of the TGF-beta type II receptor BMPR2 in pulmonary arterial hypertension. Hum Mutat. 2006 Feb;27(2):121-32. Pfarr N et al. Hemodynamic and clinical onset in patients with hereditary pulmonary arterial hypertension and BMPR2 mutations. Respir Res. 2011 Jul 29;12:99. Rosenzweig EB et al. Clinical implications of determining BMPR2 mutation status in a large cohort of children and adults with pulmonary arterial hypertension. J Heart Lung Transplant. 2008 Jun;27(6):668-74. Sztrymf B et al. Clinical outcomes of pulmonary arterial hypertension in carriers of BMPR2 mutation. Am J Respir Crit Care Med. 2008 Jun 15;177(12):1377-83. Wang J et al. Functional mutations in 5'UTR of the BMPR2 gene identified in Chinese families with pulmonary arterial hypertension. Pulm Circ. 2016 Mar;6(1):103-8.

NIHR Bioresource Rare Diseases, University of Cambridge
Classification: Pathogenic for Pulmonary arterial hypertension. Review status: no assertion criteria provided. Collection method: research. Allele origin: unknown. Affected: yes. Observed: 2 variant alleles. Not counted in ClinVar's aggregate classification.

Rare Disease Genomics Group, St George's University of London
Classification: Pathogenic for Primary pulmonary hypertension. Review status: no assertion criteria provided. Collection method: literature only. Allele origin: germline. Affected: yes. Not counted in ClinVar's aggregate classification.

Literature cited by the submitters: PubMed 16429395 (cited by Labcorp Genetics (formerly Invitae), Labcorp and Rare Disease Genomics Group, St George's University of London); PubMed 15591269 (cited by Labcorp Genetics (formerly Invitae), Labcorp and Rare Disease Genomics Group, St George's University of London); PubMed 21801371 (cited by Labcorp Genetics (formerly Invitae), Labcorp and Rare Disease Genomics Group, St George's University of London); PubMed 23590310 (cited by Pharmacogenomics Laboratory, Instituto de Medicina Experimental, CONICET-Academia Nacional de Medicina); PubMed 32581362 (cited by NIHR Bioresource Rare Diseases, University of Cambridge); PubMed 20534176 (cited by Rare Disease Genomics Group, St George's University of London); PubMed 20002458 (cited by Rare Disease Genomics Group, St George's University of London).

NM_001204.7(BMPR2):c.961C>T (p.Arg321Ter)

Gene: BMPR2 (bone morphogenetic protein receptor type 2; plus strand). Cytogenetic location: 2q33.2.
Variant type: single nucleotide variant.
Coding change: c.961C>T on transcript NM_001204.7 (MANE Select); coding-DNA position 961, C replaced by T.
Protein change: p.Arg321Ter; replaces arginine 321 with a stop codon.
Molecular consequence: nonsense.
Genome position (GRCh38, 1-based): chr2:202,520,195, C>T. VCF-style: chr2-202520195-C-T. GRCh37 (hg19) VCF-style: chr2-203384918-C-T.
Other names: c.961C>T, p.R321* (LRG_712t1); short protein forms R321*.
Identifiers: ClinVar variation 409826 (VCV000409826.60), dbSNP rs1060502581, ClinGen allele CA16610660.
Genomic context (GRCh38, chr2:202,520,195, plus strand): 5'-TCTTGCCGTCTTGCTCATTCTGTTACTAGAGGACTGGCTTATCTTCACACAGAATTACCA[C>T]GAGGAGGTAAGATAGTCAATAGATGAAATTGACACTCATGTGGGTTCAAAATTCACAACA-3'